The following is an entry in ClinVar:

ClinVar aggregate classification (germline): Uncertain significance (1 of 4 stars; one submission).

Conditions:
SEMA3B-related disorder. Also called: SEMA3B-related condition.

gnomAD v4.1: 11 of 1,612,380 alleles (0.00068%); highest among the groups gnomAD compares: African/African-American, 0.013%; no homozygotes.

Submission:

PreventionGenetics, part of Exact Sciences
Classification: Uncertain significance for SEMA3B-related condition. Last evaluated: 2026-02-17. Review status: criteria provided, single submitter. Criteria: ACMG Guidelines, 2015. Collection method: clinical testing. Allele origin: germline.
Comment: The SEMA3B c.1721-1G>A variant is predicted to disrupt the AG splice acceptor site and interfere with normal splicing. To our knowledge, this variant has not been reported in the literature. This variant is reported in 0.026% of alleles in individuals of African descent in gnomAD. Loss of function has not been conclusively established as a mechanism for SEMA3B-related disorders. At this time, the clinical significance of this variant is uncertain due to the absence of conclusive functional and genetic evidence.

NM_001290060.2(SEMA3B):c.1706-1G>A

Gene: SEMA3B (semaphorin 3B; plus strand). Cytogenetic location: 3p21.31.
Variant type: single nucleotide variant.
Coding change: c.1706-1G>A on transcript NM_001290060.2 (MANE Select); the canonical splice acceptor site of the intron before coding-DNA position 1706, G replaced by A.
Molecular consequence: splice acceptor variant.
Genome position (GRCh38, 1-based): chr3:50,275,704, G>A. VCF-style: chr3-50275704-G-A. GRCh37 (hg19) VCF-style: chr3-50313135-G-A.
Other names: c.1703-1G>A (NM_001435958.1, NM_001435957.1, NM_001005914.3); c.1706-1G>A (NM_001435956.1, NM_004636.4); c.1721-1G>A (NM_001290061.1); c.677-1G>A (NM_001290062.2, NM_001290063.2).
Identifiers: ClinVar variation 4988148 (VCV004988148.1).